The following is an entry in ClinVar:

NM_001206927.2(DNAH8):c.11563+1G>A

Genes: DNAH8 (dynein axonemal heavy chain 8; plus strand), DNAH8-AS1 (DNAH8 antisense RNA 1; minus strand). Cytogenetic location: 6p21.2.
Variant type: single nucleotide variant.
Coding change: c.11563+1G>A on transcript NM_001206927.2 (MANE Select); the canonical splice donor site of the intron after coding-DNA position 11563, G replaced by A.
Molecular consequence: splice donor variant.
Genome position (GRCh38, 1-based): chr6:38,935,698, G>A. VCF-style: chr6-38935698-G-A. GRCh37 (hg19) VCF-style: chr6-38903474-G-A.
Other names: c.10912+1G>A (NM_001371.4).
Identifiers: ClinVar variation 4745085 (VCV004745085.1).

ClinVar aggregate classification (germline): Likely pathogenic (1 of 4 stars; one submission).

Conditions:
Primary ciliary dyskinesia. Also called: Ciliary dyskinesia. Identifiers: Orphanet 244, MedGen C0008780, MONDO:0016575, HP:0012265.

gnomAD v4.1: 5 of 1,587,496 alleles (0.00031%); highest among the groups gnomAD compares: Admixed American, 0.0052%; no homozygotes.

Submission:

Labcorp Genetics (formerly Invitae), Labcorp
Classification: Likely pathogenic for Primary ciliary dyskinesia. Last evaluated: 2025-12-15. Review status: criteria provided, single submitter. Criteria: Invitae Variant Classification Sherloc (09022015). Collection method: clinical testing. Allele origin: germline.
Comment: This sequence change affects a donor splice site in intron 77 of the DNAH8 gene. It is expected to disrupt RNA splicing. Variants that disrupt the donor or acceptor splice site typically lead to a loss of protein function (PMID: 16199547), and loss-of-function variants in DNAH8 are known to be pathogenic (PMID: 24307375, 32619401, 32681648). This variant is present in population databases (rs776791493, gnomAD 0.01%). This variant has not been reported in the literature in individuals affected with DNAH8-related conditions. Algorithms developed to predict the effect of sequence changes on RNA splicing suggest that this variant may disrupt the consensus splice site. In summary, the currently available evidence indicates that the variant is pathogenic, but additional data are needed to prove that conclusively. Therefore, this variant has been classified as Likely Pathogenic.

Literature cited by the submitters: PubMed 16199547; PubMed 24307375; PubMed 32619401; PubMed 32681648.